The following is an entry in ClinVar:

ClinVar aggregate classification (germline): Uncertain significance (1 of 4 stars; one submission).

Conditions:
Hereditary cancer-predisposing syndrome. Also called: Hereditary Cancer Syndrome; Hereditary neoplastic syndrome; Neoplastic Syndromes, Hereditary; Tumor predisposition. Identifiers: Orphanet 140162, MedGen C0027672, MeSH D009386, MONDO:0015356.

Submission:

Ambry Genetics
Classification: Uncertain significance for Hereditary cancer-predisposing syndrome. Last evaluated: 2019-11-20. Review status: criteria provided, single submitter. Criteria: Ambry Variant Classification Scheme 2023. Collection method: clinical testing. Allele origin: germline.
Comment: The p.A1405V variant (also known as c.4214C>T), located in coding exon 29 of the SMARCA4 gene, results from a C to T substitution at nucleotide position 4214. The alanine at codon 1405 is replaced by valine, an amino acid with similar properties. This amino acid position is not well conserved in available vertebrate species. In addition, this alteration is predicted to be tolerated by in silico analysis. Since supporting evidence is limited at this time, the clinical significance of this alteration remains unclear.

NM_001387283.1(SMARCA4):c.4214C>T (p.Ala1405Val)

Gene: SMARCA4 (SWI/SNF related BAF chromatin remodeling complex subunit ATPase 4; plus strand). Cytogenetic location: 19p13.2.
Variant type: single nucleotide variant.
Coding change: c.4214C>T on transcript NM_001387283.1 (MANE Plus Clinical); coding-DNA position 4214, C replaced by T.
Protein change: p.Ala1405Val; replaces alanine 1405 with valine.
Molecular consequence: missense variant. On other transcripts: intron variant (7).
Genome position (GRCh38, 1-based): chr19:11,039,501, C>T. VCF-style: chr19-11039501-C-T. GRCh37 (hg19) VCF-style: chr19-11150177-C-T.
Other names: c.4214C>T, p.Ala1405Val (NM_001128849.3); c.4115C>T, p.Ala1372Val (NM_001411150.1); c.4171-1806C>T (NM_001128844.3, NM_003072.5); c.4072-1806C>T (NM_001128847.4, NM_001374457.1, NM_001128848.2); c.4072-1797C>T (NM_001128845.2, NM_001128846.2); short protein forms A1405V, A1372V.
Identifiers: ClinVar variation 1738773 (VCV001738773.2), dbSNP rs2515442768, ClinGen allele CA404071480.